The following is an entry in ClinVar:

NM_000081.4(LYST):c.7792T>C (p.Phe2598Leu)

Gene: LYST (lysosomal trafficking regulator; minus strand). Cytogenetic location: 1q42.3.
Variant type: single nucleotide variant.
Coding change: c.7792T>C on transcript NM_000081.4 (MANE Select); coding-DNA position 7792, T replaced by C.
Protein change: p.Phe2598Leu; replaces phenylalanine 2598 with leucine.
Molecular consequence: missense variant.
Genome position (GRCh38, 1-based): chr1:235,746,516, A>G on the plus strand (T>C on the coding strand, the complement: LYST is on the minus strand). VCF-style: chr1-235746516-A-G. GRCh37 (hg19) VCF-style: chr1-235909816-A-G.
Other names: c.7792T>C, p.Phe2598Leu (NM_001301365.1); short protein forms F2598L.
Identifiers: ClinVar variation 2051732 (VCV002051732.1), dbSNP rs375881446, ClinGen allele CA1466022.
Genomic context (GRCh38, chr1:235,746,516, plus strand): 5'-GCTCATCATTTGCCACTGAACGCATTTTCATCAGAAGCGATTCAGTTTGAGCAAGGGGAA[A>G]TTTTCGAGGACCTTTAAAAGTATATAAATTAAAACATCAAATCCCAGTGTTAATAAGGAT-3'
Protein context (NP_000072.2, residues 2588-2608): KRKSIAGPRK[Phe2598Leu]PLAQTESLLM

ClinVar aggregate classification (germline): Uncertain significance (1 of 4 stars; one submission).

Conditions:
Chédiak-Higashi syndrome (CHS). Also called: Chediak-Higashi Syndrome. Identifiers: Orphanet 167, MedGen C0007965, MONDO:0008963, OMIM 214500.

Allele frequency attached by ClinVar (database versions not stated): gnomAD 0.00001; TOPMed 0.00001; ExAC 0.00005; gnomAD exomes 0.00005; ESP Exome Variant Server 0.00008.
gnomAD v4.1: 68 of 1,612,272 alleles (0.0042%); highest among the groups gnomAD compares: Non-Finnish European, 0.0055%; no homozygotes.

Submission:

Labcorp Genetics (formerly Invitae), Labcorp
Classification: Uncertain significance for Chédiak-Higashi syndrome. Last evaluated: 2022-07-28. Review status: criteria provided, single submitter. Criteria: Invitae Variant Classification Sherloc (09022015). Collection method: clinical testing. Allele origin: germline.
Comment: This sequence change replaces phenylalanine, which is neutral and non-polar, with leucine, which is neutral and non-polar, at codon 2598 of the LYST protein (p.Phe2598Leu). This variant is present in population databases (rs375881446, gnomAD 0.004%). This variant has not been reported in the literature in individuals affected with LYST-related conditions. Algorithms developed to predict the effect of missense changes on protein structure and function (SIFT, PolyPhen-2, Align-GVGD) all suggest that this variant is likely to be tolerated. In summary, the available evidence is currently insufficient to determine the role of this variant in disease. Therefore, it has been classified as a Variant of Uncertain Significance.